The following is an entry in ClinVar:

ClinVar aggregate classification (germline): Uncertain significance (1 of 4 stars; one submission).

Conditions:
FG syndrome (FGS). Identifiers: MedGen C0220769, MONDO:0002010.

Allele frequency attached by ClinVar (database versions not stated): gnomAD 0.00001; TOPMed 0.00001; ExAC 0.00003; gnomAD exomes 0.00003.
gnomAD v4.1: 42 of 1,205,611 alleles (0.0035%); highest among the groups gnomAD compares: Non-Finnish European, 0.0043%; no homozygotes.

Submission:

Labcorp Genetics (formerly Invitae), Labcorp
Classification: Uncertain significance for FG syndrome. Last evaluated: 2025-12-16. Review status: criteria provided, single submitter. Criteria: Invitae Variant Classification Sherloc (09022015). Collection method: clinical testing. Allele origin: germline.
Comment: This sequence change replaces proline, which is neutral and non-polar, with alanine, which is neutral and non-polar, at codon 26 of the MED12 protein (p.Pro26Ala). This variant is present in population databases (rs776154055, gnomAD 0.006%), including at least one homozygous and/or hemizygous individual. This variant has not been reported in the literature in individuals affected with MED12-related conditions. ClinVar contains an entry for this variant (Variation ID: 864670). Invitae Evidence Modeling of protein sequence and biophysical properties (such as structural, functional, and spatial information, amino acid conservation, physicochemical variation, residue mobility, and thermodynamic stability) has been performed for this missense variant. However, the output from this modeling did not meet the statistical confidence thresholds required to predict the impact of this variant on MED12 protein function. In summary, the available evidence is currently insufficient to determine the role of this variant in disease. Therefore, it has been classified as a Variant of Uncertain Significance.

NM_005120.3(MED12):c.76C>G (p.Pro26Ala)

Gene: MED12 (mediator complex subunit 12; plus strand). Cytogenetic location: Xq13.1.
Variant type: single nucleotide variant.
Coding change: c.76C>G on transcript NM_005120.3 (MANE Select); coding-DNA position 76, C replaced by G.
Protein change: p.Pro26Ala; replaces proline 26 with alanine.
Molecular consequence: missense variant.
Genome position (GRCh38, 1-based): chrX:71,118,830, C>G. VCF-style: chrX-71118830-C-G. GRCh37 (hg19) VCF-style: chrX-70338680-C-G.
Other names: short protein forms P26A.
Identifiers: ClinVar variation 864670 (VCV000864670.10), dbSNP rs776154055, ClinGen allele CA10443983.